The following is an entry in ClinVar:

NM_032638.5(GATA2):c.40C>A (p.Pro14Thr)

Gene: GATA2 (GATA binding protein 2; minus strand). Cytogenetic location: 3q21.3.
Variant type: single nucleotide variant.
Coding change: c.40C>A on transcript NM_032638.5 (MANE Select); coding-DNA position 40, C replaced by A.
Protein change: p.Pro14Thr; replaces proline 14 with threonine.
Molecular consequence: missense variant.
Genome position (GRCh38, 1-based): chr3:128,486,992, G>T on the plus strand (C>A on the coding strand, the complement: GATA2 is on the minus strand). VCF-style: chr3-128486992-G-T. GRCh37 (hg19) VCF-style: chr3-128205835-G-T.
Other names: c.40C>A, p.Pro14Thr (NM_001145661.2, NM_001145662.1); short protein forms P14T.
Identifiers: ClinVar variation 2000368 (VCV002000368.4), dbSNP rs749214277, ClinGen allele CA354409180.
Genomic context (GRCh38, chr3:128,486,992, plus strand): 5'-TGTAGTTGTGCGCCAGGCCCGGGTGGTGTGAGTCGGGGTGCTGCGCATTCAGCACGGCCG[G>T]GTGCGCCATCCAGCGCGGCTGCTCGGGCGCCACCTCCATGGCCGGCGGCGGCGGCTCAGG-3'
Protein context (NP_116027.2, residues 4-24): APEQPRWMAH[Pro14Thr]AVLNAQHPDS

ClinVar aggregate classification (germline): Uncertain significance (1 of 4 stars; one submission).

Conditions:
Deafness-lymphedema-leukemia syndrome. Also called: Lymphedema, primary, with myelodysplasia; Emberger syndrome. Identifiers: Orphanet 3226, MedGen C3279664, MONDO:0013540, OMIM 614038.
Monocytopenia with susceptibility to infections. Also called: GATA2 DEFICIENCY; MONOCYTOPENIA AND MYCOBACTERIAL INFECTION SYNDROME; MONOCYTOPENIA WITH SUSCEPTIBILITY TO MYCOBACTERIAL, FUNGAL, AND PAPILLOMAVIRUS INFECTIONS AND MYELODYSPLASIA; COMBINED IMMUNODEFICIENCY WITH SUSCEPTIBILITY TO MYCOBACTERIAL, VIRAL, AND FUNGAL INFECTIONS; Dendritic cell, monocyte, B lymphocyte, and natural killer lymphocyte deficiency; IMMUNODEFICIENCY 21. Identifiers: Orphanet 228423, MedGen C3280030, MONDO:0013607, OMIM 614172.

Submission:

Labcorp Genetics (formerly Invitae), Labcorp
Classification: Uncertain significance for Monocytopenia with susceptibility to infections; Deafness-lymphedema-leukemia syndrome. Last evaluated: 2023-11-13. Review status: criteria provided, single submitter. Criteria: Invitae Variant Classification Sherloc (09022015). Collection method: clinical testing. Allele origin: germline.
Comment: This sequence change replaces proline, which is neutral and non-polar, with threonine, which is neutral and polar, at codon 14 of the GATA2 protein (p.Pro14Thr). This variant is not present in population databases (gnomAD no frequency). This variant has not been reported in the literature in individuals affected with GATA2-related conditions. ClinVar contains an entry for this variant (Variation ID: 2000368). Advanced modeling of protein sequence and biophysical properties (such as structural, functional, and spatial information, amino acid conservation, physicochemical variation, residue mobility, and thermodynamic stability) performed at Invitae indicates that this missense variant is not expected to disrupt GATA2 protein function with a negative predictive value of 95%. In summary, the available evidence is currently insufficient to determine the role of this variant in disease. Therefore, it has been classified as a Variant of Uncertain Significance.